The following is an entry in ClinVar:

ClinVar aggregate classification (germline): Benign. Review status: criteria provided, multiple submitters, no conflicts (2 of 4 stars). 5 submissions from 5 submitters: Benign (5). Last evaluated 2026-02-04.

Conditions:
Oculocutaneous albinism type 3 (OCA3). Also called: Rufous OCA; Rufous albinism; RUFOUS OCULOCUTANEOUS ALBINISM; ALBINISM III; XANTHISM; Albinism, oculocutaneous, type III. Identifiers: Orphanet 79433, MedGen C0342683, MONDO:0008747, OMIM 203290.

Allele frequency attached by ClinVar (database versions not stated): 1000 Genomes Project 0.01677; 1000 Genomes Project 30x 0.01765; TOPMed 0.03866; gnomAD 0.04288 and 0.04447; gnomAD exomes 0.04533 and 0.05572; ExAC 0.04595; ESP Exome Variant Server 0.04606.
gnomAD v4.1: 87,689 of 1,613,454 alleles (5.4%); highest among the groups gnomAD compares: Non-Finnish European, 6.2%; 2,709 homozygotes.

Submissions (5):

Labcorp Genetics (formerly Invitae), Labcorp
Classification: Benign. Last evaluated: 2026-02-04. Review status: criteria provided, single submitter. Criteria: Invitae Variant Classification Sherloc (09022015). Collection method: clinical testing. Allele origin: germline.

Blueprint Genetics
Classification: Benign. Last evaluated: 2024-11-27. Review status: criteria provided, single submitter. Criteria: ACMG Guidelines, 2015. Collection method: clinical testing. Allele origin: germline.

Illumina Laboratory Services, Illumina
Classification: Benign for Oculocutaneous albinism type 3. Last evaluated: 2018-01-12. Review status: criteria provided, single submitter. Criteria: ICSL Variant Classification Criteria 13 December 2019. Collection method: clinical testing. Allele origin: germline.
Comment: This variant was observed in the ICSL laboratory as part of a predisposition screen in an ostensibly healthy population. It had not been previously curated by ICSL or reported in the Human Gene Mutation Database (HGMD: prior to June 1st, 2018), and was therefore a candidate for classification through an automated scoring system. Utilizing variant allele frequency, disease prevalence and penetrance estimates, and inheritance mode, an automated score was calculated to assess if this variant is too frequent to cause the disease. Based on the score and internal cut-off values, a variant classified as benign is not then subjected to further curation. The score for this variant resulted in a classification of benign for this disease.

Breakthrough Genomics
Classification: Benign. Review status: criteria provided, single submitter. Criteria: ACMG Guidelines, 2015. Collection method: not provided. Allele origin: germline. Inheritance: Autosomal recessive inheritance. Affected: yes.

PreventionGenetics, part of Exact Sciences
Classification: Benign. Review status: criteria provided, single submitter. Criteria: ACMG Guidelines, 2015. Collection method: clinical testing. Allele origin: germline.

NM_000550.3(TYRP1):c.729T>C (p.Ser243=)

Gene: TYRP1 (tyrosinase related protein 1; plus strand). Cytogenetic location: 9p23.
Variant type: single nucleotide variant.
Coding change: c.729T>C on transcript NM_000550.3 (MANE Select); coding-DNA position 729, T replaced by C.
Protein change: p.Ser243=; no amino-acid change (serine 243 retained).
Molecular consequence: synonymous variant.
Genome position (GRCh38, 1-based): chr9:12,698,471, T>C. VCF-style: chr9-12698471-T-C. GRCh37 (hg19) VCF-style: chr9-12698471-T-C.
Identifiers: ClinVar variation 256647 (VCV000256647.16), dbSNP rs35866166, ClinGen allele CA4985311.